The following is an entry in ClinVar:

ClinVar aggregate classification (germline): Uncertain significance (1 of 4 stars; one submission).

Allele frequency attached by ClinVar (database versions not stated): TOPMed 0.00002; ExAC 0.00003; gnomAD 0.00003; gnomAD exomes 0.00003; ESP Exome Variant Server 0.00008.

Submission:

Labcorp Genetics (formerly Invitae), Labcorp
Classification: Uncertain significance. Last evaluated: 2022-04-26. Review status: criteria provided, single submitter. Criteria: Invitae Variant Classification Sherloc (09022015). Collection method: clinical testing. Allele origin: germline.
Comment: This sequence change falls in intron 14 of the LCT gene. It does not directly change the encoded amino acid sequence of the LCT protein. It affects a nucleotide within the consensus splice site. This variant is present in population databases (rs372165741, gnomAD 0.004%). This variant has not been reported in the literature in individuals affected with LCT-related conditions. Variants that disrupt the consensus splice site are a relatively common cause of aberrant splicing (PMID: 17576681, 9536098). Algorithms developed to predict the effect of sequence changes on RNA splicing suggest that this variant is not likely to affect RNA splicing. In summary, the available evidence is currently insufficient to determine the role of this variant in disease. Therefore, it has been classified as a Variant of Uncertain Significance.

Literature cited by the submitters: PubMed 17576681; PubMed 9536098.

NM_002299.4(LCT):c.5112-3T>C

Gene: LCT (lactase; minus strand). Cytogenetic location: 2q21.3.
Variant type: single nucleotide variant.
Coding change: c.5112-3T>C on transcript NM_002299.4 (MANE Select); 3 bases into the intron before coding-DNA position 5112, T replaced by C.
Molecular consequence: intron variant.
Genome position (GRCh38, 1-based): chr2:135,790,884, A>G on the plus strand (T>C on the coding strand, the complement: LCT is on the minus strand). VCF-style: chr2-135790884-A-G. GRCh37 (hg19) VCF-style: chr2-136548454-A-G.
Identifiers: ClinVar variation 1915401 (VCV001915401.2), dbSNP rs372165741, ClinGen allele CA1887677.